The following is an entry in ClinVar:

NM_001042603.3(KDM5A):c.3598G>A (p.Gly1200Arg)

Genes: KDM5A (lysine demethylase 5A; minus strand), LOC126861410 (BRD4-independent group 4 enhancer GRCh37_chr12:415875-417074; plus strand). Cytogenetic location: 12p13.33.
Variant type: single nucleotide variant.
Coding change: c.3598G>A on transcript NM_001042603.3 (MANE Select); coding-DNA position 3598, G replaced by A.
Protein change: p.Gly1200Arg; replaces glycine 1200 with arginine.
Molecular consequence: missense variant.
Genome position (GRCh38, 1-based): chr12:307,786, C>T on the plus strand (G>A on the coding strand, the complement: KDM5A is on the minus strand). VCF-style: chr12-307786-C-T. GRCh37 (hg19) VCF-style: chr12-416952-C-T.
Other names: short protein forms G1200R.
Identifiers: ClinVar variation 4685401 (VCV004685401.1).

ClinVar aggregate classification (germline): Uncertain significance (1 of 4 stars; one submission).

gnomAD v4.1: 1 of 1,613,818 alleles (0.000062%); highest among the groups gnomAD compares: Non-Finnish European, 0.000085%; no homozygotes.

Submission:

GeneDx
Classification: Uncertain significance. Last evaluated: 2025-07-08. Review status: criteria provided, single submitter. Criteria: GeneDx Variant Classification Process June 2021. Collection method: clinical testing. Allele origin: germline. Affected: yes.
Comment: Not observed at significant frequency in large population cohorts (gnomAD); In silico analysis suggests that this missense variant does not alter protein structure/function; Has not been previously published as pathogenic or benign to our knowledge